The following is an entry in ClinVar:

ClinVar aggregate classification (germline): Uncertain significance (1 of 4 stars; one submission).

Conditions:
Catecholaminergic polymorphic ventricular tachycardia (CVPT). Also called: Catecholamine-induced polymorphic ventricular tachycardia. Identifiers: Orphanet 3286, MedGen C5574922, MONDO:0017990.

Submission:

All of Us Research Program, National Institutes of Health
Classification: Uncertain significance for Catecholaminergic polymorphic ventricular tachycardia. Last evaluated: 2024-05-30. Review status: criteria provided, single submitter. Criteria: ACMG Guidelines, 2015. Collection method: clinical testing. Allele origin: germline. Inheritance: Autosomal dominant inheritance. Observed: 1 variant allele, 1 heterozygote.
Comment: This missense variant replaces arginine with glycine at codon 4683 of the RYR2 protein. Computational prediction suggests that this variant may not impact protein structure and function (internally defined REVEL score threshold <= 0.5, PMID: 27666373). To our knowledge, functional studies have not been reported for this variant. This variant has not been reported in individuals affected with RYR2-related disorders in the literature. This variant has not been identified in the general population by the Genome Aggregation Database (gnomAD). The available evidence is insufficient to determine the role of this variant in disease conclusively. Therefore, this variant is classified as a Variant of Uncertain Significance.

This study involves interpretation of variants in research participants for the purpose of population health screening. Participant phenotype was not available at the time of variant classification. Additional details can be found in publication PMID: 35346344, PMCID: PMC8962531

NM_001035.3(RYR2):c.14047A>G (p.Arg4683Gly)

Gene: RYR2 (ryanodine receptor 2; plus strand). Cytogenetic location: 1q43.
Variant type: single nucleotide variant.
Coding change: c.14047A>G on transcript NM_001035.3 (MANE Select); coding-DNA position 14047, A replaced by G.
Protein change: p.Arg4683Gly; replaces arginine 4683 with glycine.
Molecular consequence: missense variant.
Genome position (GRCh38, 1-based): chr1:237,798,127, A>G. VCF-style: chr1-237798127-A-G. GRCh37 (hg19) VCF-style: chr1-237961427-A-G.
Other names: short protein forms R4683G.
Identifiers: ClinVar variation 3385874 (VCV003385874.1).